The following is an entry in ClinVar:

NM_000194.3(HPRT1):c.28-2A>T

Gene: HPRT1 (hypoxanthine phosphoribosyltransferase 1; plus strand). Cytogenetic location: Xq26.2.
Variant type: single nucleotide variant.
Coding change: c.28-2A>T on transcript NM_000194.3 (MANE Select); the canonical splice acceptor site of the intron before coding-DNA position 28, A replaced by T.
Molecular consequence: splice acceptor variant.
Genome position (GRCh38, 1-based): chrX:134,473,357, A>T. VCF-style: chrX-134473357-A-T. GRCh37 (hg19) VCF-style: chrX-133607387-A-T.
Other names: IVS1AS, A-T, -2.
Identifiers: ClinVar variation 10057 (VCV000010057.3), dbSNP rs1569354918, ClinGen allele CA414711221.

ClinVar aggregate classification (germline): Pathogenic. Review status: criteria provided, single submitter (1 of 4 stars). 2 submissions from 2 submitters: Pathogenic (1). 1 of the submissions does not count toward it. Last evaluated 2023-11-06.

Conditions:
Lesch-Nyhan syndrome (LNS). Also called: HPRT DEFICIENCY, COMPLETE; Lesch-Nyhan Disease (LND). Identifiers: Orphanet 510, MedGen C0023374, MONDO:0010298, OMIM 300322.
HPRT1-related disorder. Also called: HPRT1-related condition; HPRT1-related disorders.

Submissions (2):

Women's Health and Genetics/Laboratory Corporation of America, LabCorp
Classification: Pathogenic for HPRT1-Related Disorders. Last evaluated: 2023-11-06. Review status: criteria provided, single submitter. Criteria: LabCorp Variant Classification Summary - May 2015. Collection method: clinical testing. Allele origin: germline.
Comment: Variant summary: HPRT1 c.28-2A>T is located in a canonical splice-site and is predicted to affect mRNA splicing resulting in a significantly altered protein due to either exon skipping, shortening, or inclusion of intronic material. Several computational tools predict a significant impact on normal splicing: Four predict the variant abolishes the canonical 3' acceptor site and three predict the variant also creates a new 3' acceptor site downstream. Publications have reported experimental evidence that this variant indeed affects mRNA splicing, resulting in the deletion of exon 2 (Gibbs_1990, Del Bigio_2007). The variant was absent in 183054 control chromosomes (gnomAD). These data suggest the variant is likely to be associated with disease. The following publications have been ascertained in the context of this evaluation (PMID: 17483691, 2347587). No submitters have cited clinical-significance assessments for this variant to ClinVar after 2014. Based on the evidence outlined above, the variant was classified as pathogenic.

OMIM
Classification: Pathogenic for LESCH-NYHAN SYNDROME. Last evaluated: 1990-06-01. Review status: no assertion criteria provided. Collection method: literature only. Allele origin: germline. Not counted in ClinVar's aggregate classification.

Literature cited by the submitters: PubMed 17483691 (cited by Women's Health and Genetics/Laboratory Corporation of America, LabCorp); PubMed 2347587 (cited by Women's Health and Genetics/Laboratory Corporation of America, LabCorp and OMIM).